The following is an entry in ClinVar:

NM_003640.5(ELP1):c.295A>C (p.Thr99Pro)

Gene: ELP1 (elongator acetyltransferase complex subunit 1; minus strand). Cytogenetic location: 9q31.3.
Variant type: single nucleotide variant.
Coding change: c.295A>C on transcript NM_003640.5 (MANE Select); coding-DNA position 295, A replaced by C.
Protein change: p.Thr99Pro; replaces threonine 99 with proline.
Molecular consequence: missense variant. On other transcripts: 5 prime UTR variant (2).
Genome position (GRCh38, 1-based): chr9:108,929,777, T>G on the plus strand (A>C on the coding strand, the complement: ELP1 is on the minus strand). VCF-style: chr9-108929777-T-G. GRCh37 (hg19) VCF-style: chr9-111692057-T-G.
Other names: c.-48A>C (NM_001318360.2); c.-565A>C (NM_001330749.2); short protein forms T99P.
Identifiers: ClinVar variation 3508084 (VCV003508084.1).

ClinVar aggregate classification (germline): Uncertain significance (1 of 4 stars; one submission).

gnomAD v4.1: 1 of 1,614,072 alleles (0.000062%); no homozygotes.

Submission:

Ambry Genetics
Classification: Uncertain significance. Last evaluated: 2024-10-27. Review status: criteria provided, single submitter. Criteria: Ambry Variant Classification Scheme 2023. Collection method: clinical testing. Allele origin: germline.
Comment: The p.T99P variant (also known as c.295A>C), located in coding exon 2 of the IKBKAP gene, results from an A to C substitution at nucleotide position 295. The threonine at codon 99 is replaced by proline, an amino acid with highly similar properties. This amino acid position is conserved. In addition, this alteration is predicted to be tolerated by in silico analysis. Based on the available evidence, the clinical significance of this variant remains unclear.